The following is an entry in ClinVar:

ClinVar aggregate classification (germline): Uncertain significance. Review status: criteria provided, multiple submitters, no conflicts (2 of 4 stars). 4 submissions from 4 submitters: Uncertain significance (4). Last evaluated 2025-02-26.

Conditions:
Hereditary cancer-predisposing syndrome. Also called: Neoplastic Syndromes, Hereditary; Tumor predisposition; Hereditary neoplastic syndrome; Hereditary Cancer Syndrome. Identifiers: Orphanet 140162, MedGen C0027672, MeSH D009386, MONDO:0015356.
Colorectal cancer, susceptibility to, 12 (CRCS12). Also called: COLORECTAL CANCER, SUSCEPTIBILITY TO, ON CHROMOSOME 12q24. Identifiers: Orphanet 220460, MedGen C3554460, MONDO:0014038, OMIM 615083.

Allele frequency attached by ClinVar (database versions not stated): gnomAD exomes below 0.00001; gnomAD 0.00001; TOPMed 0.00001.

Submissions (4):

Ambry Genetics
Classification: Uncertain significance for Hereditary cancer-predisposing syndrome. Last evaluated: 2025-02-26. Review status: criteria provided, single submitter. Criteria: Ambry Variant Classification Scheme 2023. Collection method: clinical testing. Allele origin: germline.
Comment: The p.V360I variant (also known as c.1078G>A), located in coding exon 11 of the POLE gene, results from a G to A substitution at nucleotide position 1078. The valine at codon 360 is replaced by isoleucine, an amino acid with highly similar properties. This amino acid position is highly conserved in available vertebrate species. In addition, this alteration is predicted to be tolerated by in silico analysis. Based on the available evidence, the clinical significance of this variant remains unclear.

Labcorp Genetics (formerly Invitae), Labcorp
Classification: Uncertain significance. Last evaluated: 2025-02-23. Review status: criteria provided, single submitter. Criteria: Invitae Variant Classification Sherloc (09022015). Collection method: clinical testing. Allele origin: germline.
Comment: This sequence change replaces valine, which is neutral and non-polar, with isoleucine, which is neutral and non-polar, at codon 360 of the POLE protein (p.Val360Ile). This variant is not present in population databases (gnomAD no frequency). This variant has not been reported in the literature in individuals affected with POLE-related conditions. ClinVar contains an entry for this variant (Variation ID: 838751). Invitae Evidence Modeling of protein sequence and biophysical properties (such as structural, functional, and spatial information, amino acid conservation, physicochemical variation, residue mobility, and thermodynamic stability) indicates that this missense variant is expected to disrupt POLE protein function with a positive predictive value of 80%. In summary, the available evidence is currently insufficient to determine the role of this variant in disease. Therefore, it has been classified as a Variant of Uncertain Significance.

Baylor Genetics
Classification: Uncertain significance for Colorectal cancer, susceptibility to, 12. Last evaluated: 2023-05-26. Review status: criteria provided, single submitter. Criteria: ACMG Guidelines, 2015. Collection method: clinical testing. Allele origin: unknown.

GeneDx
Classification: Uncertain significance. Last evaluated: 2022-10-13. Review status: criteria provided, single submitter. Criteria: GeneDx Variant Classification Process June 2021. Collection method: clinical testing. Allele origin: germline. Affected: yes.
Comment: Not observed at significant frequency in large population cohorts (gnomAD); In silico analysis supports that this missense variant does not alter protein structure/function; Has not been previously published as pathogenic or benign to our knowledge; This variant is associated with the following publications: (PMID: 20951805)

NM_006231.4(POLE):c.1078G>A (p.Val360Ile)

Gene: POLE (DNA polymerase epsilon, catalytic subunit; minus strand). Cytogenetic location: 12q24.33.
Variant type: single nucleotide variant.
Coding change: c.1078G>A on transcript NM_006231.4 (MANE Select); coding-DNA position 1078, G replaced by A.
Protein change: p.Val360Ile; replaces valine 360 with isoleucine.
Molecular consequence: missense variant.
Genome position (GRCh38, 1-based): chr12:132,675,763, C>T on the plus strand (G>A on the coding strand, the complement: POLE is on the minus strand). VCF-style: chr12-132675763-C-T. GRCh37 (hg19) VCF-style: chr12-133252349-C-T.
Other names: short protein forms V360I.
Identifiers: ClinVar variation 838751 (VCV000838751.14), dbSNP rs1315083272, ClinGen allele CA387361458.
Genomic context (GRCh38, chr12:132,675,763, plus strand): 5'-CCCAGTTACTCATAGAGAAGACACAGACTCACCAGTCAAAAAAGTCCCCGTTGTAGGTGA[C>T]CATGATGGTGGGTTTGGTCTCCTGGACGTGTTCAAACCACCTTTGGATCAGATGAGCCTG-3'
Protein context (NP_006222.2, residues 350-370): HVQETKPTIM[Val360Ile]TYNGDFFDWP